The following is an entry in ClinVar:

ClinVar aggregate classification (germline): Likely pathogenic. Review status: criteria provided, single submitter (1 of 4 stars). 2 submissions from 2 submitters: Likely pathogenic (1). 1 of the submissions does not count toward it. Last evaluated 2024-06-01.

Conditions:
Radioulnar synostosis. Also called: Congenital radioulnar synostosis. Identifiers: Orphanet 3269, MedGen C0158761, MONDO:0017985, HP:0002974.

Submissions (2):

CeGaT Center for Human Genetics Tuebingen
Classification: Likely pathogenic. Last evaluated: 2024-06-01. Review status: criteria provided, single submitter. Criteria: CeGaT Center For Human Genetics Tuebingen Variant Classification Criteria Version 2. Collection method: clinical testing. Allele origin: germline. Affected: yes. Observed: 1 variant allele.
Comment: MECOM: PM1, PM2, PM5, PP1, PP2

The Laboratory of Genetics and Metabolism, Hunan Children’s Hospital
Classification: Likely pathogenic for Radioulnar synostosis, nonsyndromic, susceptibility to. Last evaluated: 2022-01-04. Review status: no assertion criteria provided. Collection method: research. Allele origin: inherited. Affected: yes. Not counted in ClinVar's aggregate classification.

NM_004991.4(MECOM):c.2906G>T (p.Arg969Leu)

Gene: MECOM (MDS1 and EVI1 complex locus; minus strand). Cytogenetic location: 3q26.2.
Variant type: single nucleotide variant.
Coding change: c.2906G>T on transcript NM_004991.4 (MANE Select); coding-DNA position 2906, G replaced by T.
Protein change: p.Arg969Leu; replaces arginine 969 with leucine.
Molecular consequence: missense variant.
Genome position (GRCh38, 1-based): chr3:169,095,189, C>A on the plus strand (G>T on the coding strand, the complement: MECOM is on the minus strand). VCF-style: chr3-169095189-C-A. GRCh37 (hg19) VCF-style: chr3-168812977-C-A.
Other names: c.2342G>T, p.Arg781Leu (NM_001105078.4, NM_001205194.2, NM_001366469.2 and 1 more transcripts); c.2318G>T, p.Arg773Leu (NM_001163999.2, NM_001366470.2); c.2315G>T, p.Arg772Leu (NM_001164000.2, NM_001366471.2, NM_001366472.2); c.2879G>T, p.Arg960Leu (NM_001366466.2); c.2345G>T, p.Arg782Leu (NM_001366467.2, NM_001366468.2); c.2537G>T, p.Arg846Leu (NM_001105077.4); c.1907G>T, p.Arg636Leu (NM_001366473.2); c.1343G>T, p.Arg448Leu (NM_001366474.2); short protein forms R448L, R636L, R772L, R773L, R781L, R782L, R846L, R960L.
Identifiers: ClinVar variation 1334185 (VCV001334185.19), dbSNP rs2148891008, ClinGen allele CA355074052.